The following is an entry in ClinVar:

ClinVar aggregate classification (germline): Pathogenic. Review status: criteria provided, multiple submitters, no conflicts (2 of 4 stars). 24 submissions from 24 submitters: Pathogenic (19). 5 of the submissions do not count toward it. Last evaluated 2026-09-21.

Conditions:
PAH-related disorder. Also called: PAH-related condition.
Polymicrogyria, perisylvian, with cerebellar hypoplasia and arthrogryposis (NEDSPLB). Identifiers: MedGen C4225295, MONDO:0014679, OMIM 616531.
Inborn genetic diseases. Identifiers: MedGen C0950123, MeSH D030342.
Phenylketonuria (PKU). Also called: FOLLING DISEASE; OLIGOPHRENIA PHENYLPYRUVICA; Phenylketonurias; Phenylketonuria (PKU). Identifiers: Orphanet 716, MedGen C0031485, MONDO:0009861, OMIM 261600. Disease mechanism: loss of function.

Allele frequency attached by ClinVar (database versions not stated): gnomAD 0.00009; ExAC 0.00004; TOPMed 0.00015.
gnomAD v4.1: 258 of 1,613,850 alleles (0.016%); highest among the groups gnomAD compares: Non-Finnish European, 0.02%; no homozygotes.

Submissions 1 to 12 of 24:

PreventionGenetics, part of Exact Sciences
Classification: Pathogenic for PAH-related condition. Last evaluated: 2026-09-21. Review status: criteria provided, single submitter. Criteria: ACMG Guidelines, 2015. Collection method: clinical testing. Allele origin: germline.
Comment: The PAH c.838G>A variant is predicted to result in the amino acid substitution p.Glu280Lys. This is a commonly reported pathogenic variant that, in the homozygous state, has been associated with classic phenylketonuria (PKU) (e.g., Couce et al. 2013. PubMed ID: 23500595; Table S3 in Hillert et al. 2020. PubMed ID: 32668217). The p.Glu280 amino acid has been reported to be located in the active site, and in functional assays the p.Glu280Lys substitution has essentially abolished PAH enzyme activity and resulted in a PAH protein that is non-responsive to BH4 (e.g., Pey et al. 2003. PubMed ID: 12655546; Zurflüh et al. 2008. PubMed ID: 17935162). Different substitutions of the same amino acid (p.Glu280Ala, p.Glu280Gly) have also been reported to be causative for phenylalanine hydroxylase deficiency (e.g., Aulehla-Scholz and Heilbronner. 2003. PubMed ID: 12655553; Song et al. 2005. PubMed ID: 16256386). This variant is reported in 0.0078% of alleles in individuals of European (Non-Finnish) descent in gnomAD. Multiple independent submitters to ClinVar have interpreted this variant as pathogenic (Variation ID: 580). In summary, this variant is interpreted as pathogenic.

CeGaT Center for Human Genetics Tuebingen
Classification: Pathogenic. Last evaluated: 2026-06-01. Review status: criteria provided, single submitter. Criteria: CeGaT Center For Human Genetics Tuebingen Variant Classification Criteria Version 2. Collection method: clinical testing. Allele origin: germline. Affected: yes. Observed: 3 variant alleles.
Comment: PAH: PM3:Very Strong, PM2, PM5, PP4:Moderate, PP3, PS3:Supporting

Dasa
Classification: Pathogenic. Last evaluated: 2026-03-23. Review status: criteria provided, single submitter. Criteria: DASA Assertion Criteria. Collection method: clinical testing. Allele origin: germline.
Comment: NM_000277.3(PAH):c.838G>A (p.Glu280Lys) is a missense variant that results in the substitution of glutamic acid with lysine. The affected residue or protein region has prior evidence supporting clinical relevance. This variant has been observed in affected individuals with related phenotype in a genotype context consistent with recessive disease (PMID: 27121329; PMID: 12655546; PMID: 2564729; PMID: 2014036). Functional evidence supports a deleterious effect on the gene or gene product (PMID: 27121329; PMID: 12655546; PMID: 2564729; PMID: 2014036). This variant has been recurrently observed in individuals with related phenotype (PMID: 27121329; PMID: 12655546; PMID: 2564729; PMID: 2014036). Multiple computational predictions support a deleterious effect on the gene or gene product. The variant is present at low frequency in population datasets. Based on the available data, this variant is classified as pathogenic.

Labcorp Genetics (formerly Invitae), Labcorp
Classification: Pathogenic for Phenylketonuria. Last evaluated: 2026-01-19. Review status: criteria provided, single submitter. Criteria: Invitae Variant Classification Sherloc (09022015). Collection method: clinical testing. Allele origin: germline.
Comment: This sequence change replaces glutamic acid, which is acidic and polar, with lysine, which is basic and polar, at codon 280 of the PAH protein (p.Glu280Lys). This variant is present in population databases (rs62508698, gnomAD 0.008%). This missense change has been observed in individual(s) with phenylketonuria (PMID: 2014036, 2564729, 12655546, 17935162, 23500595). In at least one individual the data is consistent with being in trans (on the opposite chromosome) from a pathogenic variant. ClinVar contains an entry for this variant (Variation ID: 580). Invitae Evidence Modeling of protein sequence and biophysical properties (such as structural, functional, and spatial information, amino acid conservation, physicochemical variation, residue mobility, and thermodynamic stability) indicates that this missense variant is expected to disrupt PAH protein function with a positive predictive value of 80%. Experimental studies have shown that this missense change affects PAH function (PMID: 2014036, 12655546, 17935162, 21953985). For these reasons, this variant has been classified as Pathogenic.

Mayo Clinic Laboratories, Mayo Clinic
Classification: Pathogenic. Last evaluated: 2025-10-30. Review status: criteria provided, single submitter. Criteria: ACMG Guidelines, 2015. Collection method: clinical testing. Allele origin: germline. Observed: 1 variant allele.
Comment: PP3_strong, PM2_supporting, PM3_very_strong, PS3_supporting

Natera, Inc.
Classification: Pathogenic for Phenylketonuria. Last evaluated: 2025-10-09. Review status: criteria provided, single submitter. Criteria: Natera Variant Classification Schema (03/2026). Collection method: clinical testing. Allele origin: germline.
Comment: The c.838G>A variant in PAH is a missense variant predicted to cause substitution of glutamic acid to lysine at amino acid 280. This variant is rare in the general population with a frequency below the threshold expected for the associated phenotype(s). This variant has been observed in one or more individuals affected with the associated recessive disease, as either homozygous or compound heterozygous with a second variant (PMID: 17502162). Computational prediction algorithms indicate this variant is likely to affect gene or protein function. Given the available evidence, this variant is classified as Pathogenic.

Laboratory of Genetics, Children's Clinical University Hospital Latvia
Classification: Pathogenic. Last evaluated: 2025-02-16. Review status: criteria provided, single submitter. Criteria: ACMG Guidelines, 2015. Collection method: clinical testing. Allele origin: germline. Affected: yes.

Blueprint Genetics
Classification: Pathogenic for PAH-related disorders. Last evaluated: 2024-06-13. Review status: criteria provided, single submitter. Criteria: ACMG Guidelines, 2015. Collection method: clinical testing. Allele origin: germline. Affected: yes. Observed: 5 variant alleles.

Revvity Omics, Revvity
Classification: Pathogenic for Phenylketonuria. Last evaluated: 2024-01-31. Review status: criteria provided, single submitter. Criteria: ACMG Guidelines, 2015. Collection method: clinical testing. Allele origin: germline.

3billion
Classification: Pathogenic for Phenylketonuria. Last evaluated: 2022-09-01. Review status: criteria provided, single submitter. Criteria: ACMG Guidelines, 2015. Collection method: clinical testing. Allele origin: germline. Affected: yes. Observed: 1 heterozygote.
Comment: The variant is observed at an extremely low frequency in the gnomAD v2.1.1 dataset (total allele frequency: 0.006%). It is located in a mutational hot spot and/or well-established functional domain in which established pathogenic variants have been reported. Missense changes are a common disease-causing mechanism. In silico tool predictions suggest damaging effect of the variant on gene or gene product (REVEL: 0.97; 3Cnet: 1.00). Same nucleotide change resulting in same amino acid change has been previously reported as pathogenic/likely pathogenic with strong evidence (ClinVar ID: VCV000000580). The variant is in trans with the other variant. Different missense changes at the same codon (p.Glu280Gln, p.Glu280Gly) have been reported as pathogenic/likely pathogenic with strong evidence (ClinVar ID: VCV000102864 , VCV000102866). Therefore, this variant is classified as Pathogenic according to the recommendation of ACMG/AMP guideline.

Fulgent Genetics
Classification: Pathogenic for Phenylketonuria. Last evaluated: 2022-05-03. Review status: criteria provided, single submitter. Criteria: ACMG Guidelines, 2015. Collection method: clinical testing. Allele origin: unknown.

Quest Diagnostics Nichols Institute San Juan Capistrano
Classification: Pathogenic. Last evaluated: 2020-08-31. Review status: criteria provided, single submitter. Criteria: Quest Diagnostics criteria. Collection method: clinical testing. Allele origin: unknown.
Comment: This variant was found in at least one symptomatic individual and predicted to have a damaging effect on the protein. The variant occurs in multiple cases with a lone recessive pathogenic/likely pathogenic variant in the same gene, and several have a phenotype known to be consistent with disease. It has also been reported to be associated with classic PKU and undetectable PAH enzyme activity (PMID: 12655546 (2003), 22763404(2012), 23500595 (2013), and 30963030 (2019)).

NM_000277.3(PAH):c.838G>A (p.Glu280Lys)

Gene: PAH (phenylalanine hydroxylase; minus strand). Cytogenetic location: 12q23.2.
Variant type: single nucleotide variant.
Coding change: c.838G>A on transcript NM_000277.3 (MANE Select); coding-DNA position 838, G replaced by A.
Protein change: p.Glu280Lys; replaces glutamic acid 280 with lysine.
Molecular consequence: missense variant.
Genome position (GRCh38, 1-based): chr12:102,852,819, C>T on the plus strand (G>A on the coding strand, the complement: PAH is on the minus strand). VCF-style: chr12-102852819-C-T. GRCh37 (hg19) VCF-style: chr12-103246597-C-T.
Other names: p.E280K:GAA>AAA; p.E280K; c.838G>A (NM_000277.2); c.838G>A, p.Glu280Lys (NM_001354304.2); short protein forms E280K.
Identifiers: ClinVar variation 580 (VCV000000580.118), dbSNP rs62508698, ClinGen allele CA251525.
Genomic context (GRCh38, chr12:102,852,819, plus strand): 5'-AGGAAAAGATGGCGCTCATTGTGCCTGGCAACTGGTAGCTGGAGGACAGTACTCACGGTT[C>T]GGGGGTATACATGGGCTTGGATCCATGTCTGATGTACTGTGTGCAGTGGAAGACTCGGAA-3'
Protein context (NP_000268.1, residues 270-290): RHGSKPMYTP[Glu280Lys]PDICHELLGH